The following is an entry in ClinVar:

NM_001394998.1(TANC2):c.2653G>T (p.Glu885Ter)

Gene: TANC2 (tetratricopeptide repeat, ankyrin repeat and coiled-coil containing 2; plus strand). Cytogenetic location: 17q23.3.
Variant type: single nucleotide variant.
Coding change: c.2653G>T on transcript NM_001394998.1 (MANE Select); coding-DNA position 2653, G replaced by T.
Protein change: p.Glu885Ter; replaces glutamic acid 885 with a stop codon.
Molecular consequence: nonsense.
Genome position (GRCh38, 1-based): chr17:63,379,788, G>T. VCF-style: chr17-63379788-G-T. GRCh37 (hg19) VCF-style: chr17-61457149-G-T.
Other names: c.2431G>T, p.Glu811Ter (NM_001411076.1, NM_025185.4); short protein forms E811*, E885*.
Identifiers: ClinVar variation 4687274 (VCV004687274.1).

ClinVar aggregate classification (germline): Pathogenic (1 of 4 stars; one submission).

Conditions:
Intellectual developmental disorder with autistic features and language delay, with or without seizures. Identifiers: MedGen C5394447, MONDO:0030051, OMIM 618906.

Submission:

Women's Health and Genetics/Laboratory Corporation of America, LabCorp
Classification: Pathogenic for Intellectual developmental disorder with autistic features and language delay, with or without seizures. Last evaluated: 2025-10-15. Review status: criteria provided, single submitter. Criteria: LabCorp Variant Classification Summary - May 2015. Collection method: clinical testing. Allele origin: germline.
Comment: Variant summary: TANC2 c.2431G>T (p.Glu811X) results in a premature termination codon, predicted to cause a truncation of the encoded protein or absence of the protein due to nonsense mediated decay, which are commonly known mechanisms for disease. The variant was absent in 247742 control chromosomes. To our knowledge, no occurrence of c.2431G>T in individuals affected with TANC2-related conditions and no experimental evidence demonstrating its impact on protein function have been reported. No submitters have cited clinical-significance assessments for this variant to ClinVar. Based on the evidence outlined above, the variant was classified as pathogenic.